The following is an entry in ClinVar:

ClinVar aggregate classification (germline): Uncertain significance (1 of 4 stars; one submission).

Conditions:
Inborn genetic diseases. Identifiers: MedGen C0950123, MeSH D030342.

Submission:

Ambry Genetics
Classification: Uncertain significance for Inborn genetic diseases. Last evaluated: 2023-09-01. Review status: criteria provided, single submitter. Criteria: Ambry Variant Classification Scheme 2023. Collection method: clinical testing. Allele origin: germline.
Comment: The p.L298R variant (also known as c.893T>G), located in coding exon 4 of the ATR gene, results from a T to G substitution at nucleotide position 893. The leucine at codon 298 is replaced by arginine, an amino acid with dissimilar properties. This amino acid position is conserved. In addition, this alteration is predicted to be deleterious by in silico analysis. Since supporting evidence is limited at this time, the clinical significance of this alteration remains unclear.

NM_001184.4(ATR):c.893T>G (p.Leu298Arg)

Gene: ATR (ATR checkpoint kinase; minus strand). Cytogenetic location: 3q23.
Variant type: single nucleotide variant.
Coding change: c.893T>G on transcript NM_001184.4 (MANE Select); coding-DNA position 893, T replaced by G.
Protein change: p.Leu298Arg; replaces leucine 298 with arginine.
Molecular consequence: missense variant.
Genome position (GRCh38, 1-based): chr3:142,562,509, A>C on the plus strand (T>G on the coding strand, the complement: ATR is on the minus strand). VCF-style: chr3-142562509-A-C. GRCh37 (hg19) VCF-style: chr3-142281351-A-C.
Other names: c.893T>G, p.Leu298Arg (NM_001354579.2); short protein forms L298R.
Identifiers: ClinVar variation 2614005 (VCV002614005.2), dbSNP rs765771965, ClinGen allele CA354824915.